The following is an entry in ClinVar:

NM_015338.6(ASXL1):c.4102A>G (p.Lys1368Glu)

Gene: ASXL1 (ASXL transcriptional regulator 1; plus strand). Cytogenetic location: 20q11.21.
Variant type: single nucleotide variant.
Coding change: c.4102A>G on transcript NM_015338.6 (MANE Select); coding-DNA position 4102, A replaced by G.
Protein change: p.Lys1368Glu; replaces lysine 1368 with glutamic acid.
Molecular consequence: missense variant.
Genome position (GRCh38, 1-based): chr20:32,436,814, A>G. VCF-style: chr20-32436814-A-G. GRCh37 (hg19) VCF-style: chr20-31024617-A-G.
Other names: c.3919A>G, p.Lys1307Glu (NM_001363734.1); short protein forms K1368E, K1307E.
Identifiers: ClinVar variation 4993150 (VCV004993150.1).
Genomic context (GRCh38, chr20:32,436,814, plus strand): 5'-GGGGTACAGACTCCAAGGGAAGACTGGGCTCCAAAGCCACATGCCTTTGTTGGCAGCGTC[A>G]AGAATGAGAAGACTTTTGTGGGGGGTCCTCTTAAGGCAAATGCCGAGAACAGGAAAGCTA-3'
Protein context (NP_056153.2, residues 1358-1378): PKPHAFVGSV[Lys1368Glu]NEKTFVGGPL

ClinVar aggregate classification (germline): Uncertain significance (1 of 4 stars; one submission).

Conditions:
ASXL1-related disorder. Also called: ASXL1-related condition; ASXL1-related disorders.

Submission:

PreventionGenetics, part of Exact Sciences
Classification: Uncertain significance for ASXL1-related condition. Last evaluated: 2026-08-26. Review status: criteria provided, single submitter. Criteria: ACMG Guidelines, 2015. Collection method: clinical testing. Allele origin: germline.
Comment: The ASXL1 c.4102A>G variant is predicted to result in the amino acid substitution p.Lys1368Glu. To our knowledge, this variant has not been reported in the literature or in a large population database (gnomAD), indicating this variant is rare. At this time, the clinical significance of this variant is uncertain due to the absence of conclusive functional and genetic evidence.